The following is an entry in ClinVar:

NM_138477.4(CDAN1):c.327C>G (p.Thr109=)

Genes: CDAN1 (codanin 1; minus strand), LOC130056931 (ATAC-STARR-seq lymphoblastoid silent region 6376; plus strand). Cytogenetic location: 15q15.2.
Variant type: single nucleotide variant.
Coding change: c.327C>G on transcript NM_138477.4 (MANE Select); coding-DNA position 327, C replaced by G.
Protein change: p.Thr109=; no amino-acid change (threonine 109 retained).
Molecular consequence: synonymous variant.
Genome position (GRCh38, 1-based): chr15:42,736,544, G>C on the plus strand (C>G on the coding strand, the complement: CDAN1 is on the minus strand). VCF-style: chr15-42736544-G-C. GRCh37 (hg19) VCF-style: chr15-43028742-G-C.
Other names: c.327C>G (NM_138477.2).
Identifiers: ClinVar variation 2916985 (VCV002916985.6), dbSNP rs914293949, ClinGen allele CA269915549.

ClinVar aggregate classification (germline): Likely benign. Review status: criteria provided, multiple submitters, no conflicts (2 of 4 stars). 3 submissions from 3 submitters: Likely benign (2). 1 of the submissions does not count toward it. Last evaluated 2025-08-20.

Conditions:
CDAN1-related disorder. Also called: CDAN1-related condition.

Allele frequency attached by ClinVar (database versions not stated): gnomAD 0.00001.
gnomAD v4.1: 31 of 1,470,442 alleles (0.0021%); highest among the groups gnomAD compares: East Asian, 0.0029%; no homozygotes.

Submissions (3):

Labcorp Genetics (formerly Invitae), Labcorp
Classification: Likely benign. Last evaluated: 2025-08-20. Review status: criteria provided, single submitter. Criteria: Invitae Variant Classification Sherloc (09022015). Collection method: clinical testing. Allele origin: germline.

Blueprint Genetics
Classification: Likely benign. Last evaluated: 2020-11-30. Review status: criteria provided, single submitter. Criteria: ACMG Guidelines, 2015. Collection method: clinical testing. Allele origin: germline.

PreventionGenetics, part of Exact Sciences
Classification: Likely benign for CDAN1-related condition. Last evaluated: 2020-07-14. Review status: no assertion criteria provided. Collection method: clinical testing. Allele origin: germline. Not counted in ClinVar's aggregate classification.
Comment: This variant is classified as likely benign based on ACMG/AMP sequence variant interpretation guidelines (Richards et al. 2015 PMID: 25741868, with internal and published modifications).